The following is an entry in ClinVar:

ClinVar aggregate classification (germline): Uncertain significance (1 of 4 stars; one submission).

Allele frequency attached by ClinVar (database versions not stated): TOPMed below 0.00001.

Submission:

Women's Health and Genetics/Laboratory Corporation of America, LabCorp
Classification: Uncertain significance. Last evaluated: 2019-04-07. Review status: criteria provided, single submitter. Criteria: LabCorp Variant Classification Summary - May 2015. Collection method: clinical testing. Allele origin: germline.
Comment: Variant summary: GAA c.1087A>G (p.Met363Val) results in a conservative amino acid change located in the Glycoside hydrolase superfamily domain (IPR017853) of the encoded protein sequence. Four of five in-silico tools predict a damaging effect of the variant on protein function. The variant was absent in 244930 control chromosomes (gnomAD). The available data on variant occurrences in the general population are insufficient to allow any conclusion about variant significance. To our knowledge, no occurrence of c.1087A>G in individuals affected with Glycogen Storage Disease, Type 2 (Pompe Disease) and no experimental evidence demonstrating its impact on protein function have been reported. No clinical diagnostic laboratories have submitted clinical-significance assessments for this variant to ClinVar after 2014. Based on the evidence outlined above, the variant was classified as uncertain significance.

NM_000152.5(GAA):c.1087A>G (p.Met363Val)

Gene: GAA (alpha glucosidase; plus strand). Cytogenetic location: 17q25.3.
Variant type: single nucleotide variant.
Coding change: c.1087A>G on transcript NM_000152.5 (MANE Select); coding-DNA position 1087, A replaced by G.
Protein change: p.Met363Val; replaces methionine 363 with valine.
Molecular consequence: missense variant.
Genome position (GRCh38, 1-based): chr17:80,108,500, A>G. VCF-style: chr17-80108500-A-G. GRCh37 (hg19) VCF-style: chr17-78082299-A-G.
Other names: c.1087A>G, p.Met363Val (NM_001079803.3, NM_001079804.3); short protein forms M363V.
Identifiers: ClinVar variation 929166 (VCV000929166.1), dbSNP rs2039148780, ClinGen allele CA401364927.
Genomic context (GRCh38, chr17:80,108,500, plus strand): 5'-CCCCAAGGCTCCCTCCTCCCTCCCTCATGAAGTCGGCGTTGGCCTGCAGGATACCCGTTC[A>G]TGCCGCCATACTGGGGCCTGGGCTTCCACCTGTGCCGCTGGGGCTACTCCTCCACCGCTA-3'
Protein context (NP_000143.2, residues 353-373): QYLDVVGYPF[Met363Val]PPYWGLGFHL